The following is an entry in ClinVar:

ClinVar aggregate classification (germline): Pathogenic (1 of 4 stars; one submission).

Conditions:
Nemaline myopathy 2 (NEM2). Also called: Nemaline myopathy 2, autosomal recessive. Identifiers: MedGen C1850569, MONDO:0009725, OMIM 256030.

Submission:

Labcorp Genetics (formerly Invitae), Labcorp
Classification: Pathogenic for Nemaline myopathy 2. Last evaluated: 2023-06-25. Review status: criteria provided, single submitter. Criteria: Invitae Variant Classification Sherloc (09022015). Collection method: clinical testing. Allele origin: germline.
Comment: This variant is not present in population databases (gnomAD no frequency). This variant has not been reported in the literature in individuals affected with NEB-related conditions. For these reasons, this variant has been classified as Pathogenic. This sequence change creates a premature translational stop signal (p.Arg6814Leufs*10) in the NEB gene. It is expected to result in an absent or disrupted protein product. Loss-of-function variants in NEB are known to be pathogenic (PMID: 25205138).

Literature cited by the submitters: PubMed 25205138.

NM_001164508.2(NEB):c.20441_20442del (p.Arg6814fs)

Gene: NEB (nebulin; minus strand). Cytogenetic location: 2q23.3.
Variant type: Deletion.
Coding change: c.20441_20442del on transcript NM_001164508.2 (MANE Select); coding-DNA positions 20441 to 20442, 2 bases deleted (GC; older notation c.20441_20442delGC).
Protein change: p.Arg6814fs; shifts the reading frame from arginine 6814.
Molecular consequence: frameshift variant.
Genome position (GRCh38, 1-based): chr2:151,546,369-151,546,370, GC deleted on the plus strand (GC on the coding strand, the reverse complement: NEB is on the minus strand); deleting any 2 consecutive bases within chr2:151,546,369-151,546,371 gives the same sequence; the c. name uses the placement nearest the transcript's 3' end. VCF-style (leftmost placement, unchanged base first): chr2-151546368-AGC-A. GRCh37 (hg19) VCF-style: chr2-152402882-AGC-A.
Other names: c.20441_20442del, p.Arg6814fs (NM_001164507.2, NM_001271208.2); c.15338_15339del, p.Arg5113fs (NM_004543.5); short protein forms R5113fs, R6814fs.
Identifiers: ClinVar variation 2728770 (VCV002728770.3), dbSNP rs2552174389, ClinGen allele CA2661458519.